The following is an entry in ClinVar:

ClinVar aggregate classification (germline): Uncertain significance (1 of 4 stars; one submission).

Conditions:
Encephalopathy, acute, infection-induced (herpes-specific), susceptibility to, 1. Also called: Herpes simplex encephalitis, susceptibility to, 1. Identifiers: Orphanet 1930, MedGen C2750180, MONDO:0024563, OMIM 610551.

Submission:

Labcorp Genetics (formerly Invitae), Labcorp
Classification: Uncertain significance for Encephalopathy, acute, infection-induced (herpes-specific), susceptibility to, 1. Last evaluated: 2024-12-03. Review status: criteria provided, single submitter. Criteria: Invitae Variant Classification Sherloc (09022015). Collection method: clinical testing. Allele origin: germline.
Comment: This sequence change replaces proline, which is neutral and non-polar, with histidine, which is basic and polar, at codon 646 of the TLR3 protein (p.Pro646His). This variant is not present in population databases (gnomAD no frequency). This variant has not been reported in the literature in individuals affected with TLR3-related conditions. An algorithm developed to predict the effect of missense changes on protein structure and function (PolyPhen-2) suggests that this variant is likely to be disruptive. In summary, the available evidence is currently insufficient to determine the role of this variant in disease. Therefore, it has been classified as a Variant of Uncertain Significance.

NM_003265.3(TLR3):c.1937C>A (p.Pro646His)

Gene: TLR3 (toll like receptor 3; plus strand). Cytogenetic location: 4q35.1.
Variant type: single nucleotide variant.
Coding change: c.1937C>A on transcript NM_003265.3 (MANE Select); coding-DNA position 1937, C replaced by A.
Protein change: p.Pro646His; replaces proline 646 with histidine.
Molecular consequence: missense variant.
Genome position (GRCh38, 1-based): chr4:186,083,623, C>A. VCF-style: chr4-186083623-C-A. GRCh37 (hg19) VCF-style: chr4-187004777-C-A.
Other names: short protein forms P646H.
Identifiers: ClinVar variation 3685580 (VCV003685580.2).